The following is an entry in ClinVar:

ClinVar aggregate classification (germline): Likely pathogenic (1 of 4 stars; one submission).

Conditions:
Arthrogryposis, renal dysfunction, and cholestasis 1 (ARCS1). Identifiers: Orphanet 2697, MedGen C1859722, MONDO:0008822, OMIM 208085.

gnomAD v4.1: 1 of 1,614,034 alleles (0.000062%); highest among the groups gnomAD compares: Non-Finnish European, 0.000085%; no homozygotes.

Submission:

Juno Genomics, Hangzhou Juno Genomics, Inc
Classification: Likely pathogenic for Arthrogryposis, renal dysfunction, and cholestasis 1. Review status: criteria provided, single submitter. Criteria: ACMG Guidelines, 2015. Collection method: clinical testing. Allele origin: germline. Affected: yes.
Comment: Absent from controls (or at extremely low frequency if recessive) in Genome Aggregation Database, Exome Sequencing Project, 1000 Genomes Project, or Exome Aggregation Consortium.;Null variant in a gene where loss of function (LOF) is a known mechanism of disease.

NM_018668.5(VPS33B):c.290-1G>C

Gene: VPS33B (VPS33B late endosome and lysosome associated; minus strand). Cytogenetic location: 15q26.1.
Variant type: single nucleotide variant.
Coding change: c.290-1G>C on transcript NM_018668.5 (MANE Select); the canonical splice acceptor site of the intron before coding-DNA position 290, G replaced by C.
Molecular consequence: splice acceptor variant.
Genome position (GRCh38, 1-based): chr15:91,013,872, C>G on the plus strand (G>C on the coding strand, the complement: VPS33B is on the minus strand). VCF-style: chr15-91013872-C-G. GRCh37 (hg19) VCF-style: chr15-91557102-C-G.
Other names: c.209-1G>C (NM_001289148.1); c.17-1G>C (NM_001289149.1).
Identifiers: ClinVar variation 3392497 (VCV003392497.2).
Genomic context (GRCh38, chr15:91,013,872, plus strand): 5'-GGCTGAAGATCACTTTGTATTTGCGAGTTCGGCCAGCCAATTTGTCAGCATTGACAAGAC[C>G]TACAGAGAGAAGGAATGCAGCCCAGCAAGTCATGGGCCATCTGTTATGCTAGAAACAGGG-3'